The following is an entry in ClinVar:

ClinVar aggregate classification (germline): Uncertain significance (1 of 4 stars; one submission).

Submission:

Labcorp Genetics (formerly Invitae), Labcorp
Classification: Uncertain significance. Last evaluated: 2024-12-06. Review status: criteria provided, single submitter. Criteria: Invitae Variant Classification Sherloc (09022015). Collection method: clinical testing. Allele origin: germline.
Comment: This sequence change replaces alanine, which is neutral and non-polar, with threonine, which is neutral and polar, at codon 657 of the LZTR1 protein (p.Ala657Thr). This variant is not present in population databases (gnomAD no frequency). This variant has not been reported in the literature in individuals affected with LZTR1-related conditions. Invitae Evidence Modeling of protein sequence and biophysical properties (such as structural, functional, and spatial information, amino acid conservation, physicochemical variation, residue mobility, and thermodynamic stability) indicates that this missense variant is not expected to disrupt LZTR1 protein function with a negative predictive value of 80%. In summary, the available evidence is currently insufficient to determine the role of this variant in disease. Therefore, it has been classified as a Variant of Uncertain Significance.

NM_006767.4(LZTR1):c.1969G>A (p.Ala657Thr)

Gene: LZTR1 (leucine zipper like post translational regulator 1; plus strand). Cytogenetic location: 22q11.21.
Variant type: single nucleotide variant.
Coding change: c.1969G>A on transcript NM_006767.4 (MANE Select); coding-DNA position 1969, G replaced by A.
Protein change: p.Ala657Thr; replaces alanine 657 with threonine.
Molecular consequence: missense variant.
Genome position (GRCh38, 1-based): chr22:20,995,772, G>A. VCF-style: chr22-20995772-G-A. GRCh37 (hg19) VCF-style: chr22-21350061-G-A.
Other names: short protein forms A657T.
Identifiers: ClinVar variation 3671668 (VCV003671668.2).